The following is an entry in ClinVar:

NM_000263.4(NAGLU):c.474_475delinsAA (p.Leu159Met)

Gene: NAGLU (N-acetyl-alpha-glucosaminidase; plus strand). Cytogenetic location: 17q21.2.
Variant type: Indel.
Coding change: c.474_475delinsAA on transcript NM_000263.4 (MANE Select); coding-DNA positions 474 to 475, GC replaced by AA.
Protein change: p.Leu159Met; replaces leucine 159 with methionine.
Molecular consequence: missense variant.
Genome position (GRCh38, 1-based): chr17:42,537,488-42,537,489, GC replaced by AA. VCF-style: chr17-42537488-GC-AA. GRCh37 (hg19) VCF-style: chr17-40689506-GC-AA.
Other names: short protein forms L159M.
Identifiers: ClinVar variation 1468626 (VCV001468626.6), dbSNP rs2143082294, ClinGen allele CA2573154149.

ClinVar aggregate classification (germline): Uncertain significance (1 of 4 stars; one submission).

Conditions:
Mucopolysaccharidosis, MPS-III-B (MPS3B). Also called: N-ACETYL-ALPHA-D-GLUCOSAMINIDASE DEFICIENCY; NAGLU DEFICIENCY; SANFILIPPO SYNDROME B; MPS III B; MPS IIIB (Sanfilippo Syndrome Type B); MUCOPOLYSACCHARIDOSIS, TYPE IIIB. Identifiers: Orphanet 79270, MedGen C0086648, MONDO:0009656, OMIM 252920.
Charcot-Marie-Tooth disease axonal type 2V. Also called: CHARCOT-MARIE-TOOTH NEUROPATHY, TYPE 2V; CHARCOT-MARIE-TOOTH DISEASE, AXONAL, AUTOSOMAL DOMINANT, TYPE 2V. Identifiers: Orphanet 447964, MedGen C5569050, MONDO:0014665, OMIM 616491.

Submission:

Labcorp Genetics (formerly Invitae), Labcorp
Classification: Uncertain significance for Charcot-Marie-Tooth disease axonal type 2V; Mucopolysaccharidosis, MPS-III-B. Last evaluated: 2021-10-24. Review status: criteria provided, single submitter. Criteria: Invitae Variant Classification Sherloc (09022015). Collection method: clinical testing. Allele origin: germline.
Comment: This sequence change replaces leucine, which is neutral and non-polar, with methionine, which is neutral and non-polar, at codon 159 of the NAGLU protein (p.Leu159Met). Information on the frequency of this variant in the gnomAD database is not available, as this variant may be reported differently in the database. This variant has not been reported in the literature in individuals affected with NAGLU-related conditions. Experimental studies and prediction algorithms are not available or were not evaluated, and the functional significance of this variant is currently unknown. In summary, the available evidence is currently insufficient to determine the role of this variant in disease. Therefore, it has been classified as a Variant of Uncertain Significance.